The following is an entry in ClinVar:

ClinVar aggregate classification (germline): Pathogenic. Review status: criteria provided, multiple submitters, no conflicts (2 of 4 stars). 2 submissions from 2 submitters: Pathogenic (2). Last evaluated 2024-11-06.

Conditions:
Kabuki syndrome. Also called: NIIKAWA-KUROKI SYNDROME; Kabuki make-up syndrome. Identifiers: Orphanet 2322, MedGen C0796004, MONDO:0016512.

Submissions (2):

GeneDx
Classification: Pathogenic. Last evaluated: 2024-11-06. Review status: criteria provided, single submitter. Criteria: GeneDx Variant Classification Process June 2021. Collection method: clinical testing. Allele origin: germline. Affected: yes.
Comment: Frameshift variant predicted to result in protein truncation or nonsense mediated decay in a gene for which loss-of-function is a known mechanism of disease; Not observed at significant frequency in large population cohorts (gnomAD); Has not been previously published as pathogenic or benign to our knowledge

Labcorp Genetics (formerly Invitae), Labcorp
Classification: Pathogenic for Kabuki syndrome. Last evaluated: 2018-08-05. Review status: criteria provided, single submitter. Criteria: Invitae Variant Classification Sherloc (09022015). Collection method: clinical testing. Allele origin: germline.
Comment: This variant has not been reported in the literature in individuals with KMT2D-related disease. This sequence change creates a premature translational stop signal (p.Leu2331Profs*46) in the KMT2D gene. It is expected to result in an absent or disrupted protein product. This variant is not present in population databases (ExAC no frequency). Loss-of-function variants in KMT2D are known to be pathogenic (PMID: 22126750). For these reasons, this variant has been classified as Pathogenic.

Literature cited by the submitters: PubMed 22126750 (cited by Labcorp Genetics (formerly Invitae), Labcorp).

NM_003482.4(KMT2D):c.6991dup (p.Leu2331fs)

Gene: KMT2D (lysine methyltransferase 2D; minus strand). Cytogenetic location: 12q13.12.
Variant type: Duplication.
Coding change: c.6991dup on transcript NM_003482.4 (MANE Select); coding-DNA position 6991, one base duplicated (C; older notation c.6991dupC).
Protein change: p.Leu2331fs; shifts the reading frame from leucine 2331.
Molecular consequence: frameshift variant.
Genome position (GRCh38, 1-based): chr12:49,040,779, G duplicated on the plus strand (C on the coding strand, the reverse complement: KMT2D is on the minus strand); the first of 6 consecutive G bases (chr12:49,040,779-49,040,784); duplicating any one gives the same sequence. VCF-style (leftmost placement, unchanged base first): chr12-49040778-A-AG. GRCh37 (hg19) VCF-style: chr12-49434561-A-AG.
Other names: c.6991dupC (NM_003482.3); c.6991dup (NM_003482.3); short protein forms L2331fs.
Identifiers: ClinVar variation 653354 (VCV000653354.8), dbSNP rs1592136317, ClinGen allele CA915948401.
Genomic context (GRCh38, chr12:49,040,778, plus strand): 5'-TCCTGGGGCCTTAGGCCCAAGCCCGGGCTCTGGGGCTCTACCTGAGATGCCCGAGGGGTC[A>AG]GGGGGGCTTTGAAGACATCAGGTGTCTTTAACTCCAGGCCACCCAGGTGGGTGCCTGAGG-3'